The following is an entry in ClinVar:

ClinVar aggregate classification (germline): Likely benign (1 of 4 stars; one submission).

Submission:

Mayo Clinic Laboratories, Mayo Clinic
Classification: Likely benign. Last evaluated: 2024-02-05. Review status: criteria provided, single submitter. Criteria: ACMG Guidelines, 2015. Collection method: clinical testing. Allele origin: germline. Observed: 2 variant alleles.
Comment: BP4, BP7, PM2_moderate

NM_032790.3(ORAI1):c.-10G>A

Genes: ORAI1 (ORAI calcium release-activated calcium modulator 1; plus strand), LOC130008987 (ATAC-STARR-seq lymphoblastoid silent region 4981; plus strand). Cytogenetic location: 12q24.31.
Variant type: single nucleotide variant.
Coding change: c.-10G>A on transcript NM_032790.3; 10 bases upstream of the start codon, G replaced by A.
Molecular consequence: non-coding transcript variant (on NR_186857.1).
Genome position (GRCh38, 1-based): chr12:121,626,733, G>A. VCF-style: chr12-121626733-G-A. GRCh37 (hg19) VCF-style: chr12-122064638-G-A.
Identifiers: ClinVar variation 4683776 (VCV004683776.1).
Genomic context (GRCh38, chr12:121,626,733, plus strand): 5'-AGTCGGCGGCTGCCTCCGGCGGAGGTGCCTCGCGGCGCCCGGGCCGGCCCGCGCCTCGGC[G>A]GCGTGCTCCATGCATCCGGAGCCCGCCCCGCCCCCGAGCCGCAGCAGTCCCGAGCTTCCC-3'